The following is an entry in ClinVar:

NM_005271.5(GLUD1):c.445+388del

Gene: GLUD1 (glutamate dehydrogenase 1; minus strand). Cytogenetic location: 10q23.2.
Variant type: Deletion.
Coding change: c.445+388del on transcript NM_005271.5 (MANE Select); 388 bases into the intron after coding-DNA position 445, one base deleted (C; older notation c.445+388delC).
Molecular consequence: intron variant. On other transcripts: frameshift variant (1), 5 prime UTR variant (2).
Genome position (GRCh38, 1-based): chr10:87,093,937, G deleted on the plus strand (C on the coding strand, the reverse complement: GLUD1 is on the minus strand). VCF-style (leftmost placement, unchanged base first): chr10-87093936-AG-A. GRCh37 (hg19) VCF-style: chr10-88853693-AG-A.
Other names: c.42del, p.Cys16fs (NM_001318900.1); c.-414del (NM_001318901.1); c.-341del (NM_001318902.1); c.-117+388del (NM_001318906.2); c.-284+388del (NM_001318904.2); c.-410+388del (NM_001318905.2); short protein forms C16fs.
Identifiers: ClinVar variation 4819437 (VCV004819437.1).

ClinVar aggregate classification (germline): Likely benign (1 of 4 stars; one submission).

Conditions:
Hyperinsulinism-hyperammonemia syndrome (HHF6). Identifiers: Orphanet 35878, MedGen C1847555, MONDO:0011717, OMIM 606762.

Submission:

Centre for Medical Genetics,  Mumbai
Classification: Likely benign for Hyperinsulinism-hyperammonemia syndrome. Last evaluated: 2026-03-13. Review status: criteria provided, single submitter. Criteria: ACMG Guidelines, 2015. Collection method: provider interpretation. Allele origin: germline. Inheritance: Autosomal dominant inheritance. Affected: no. Observed: 1 variant allele, 1 heterozygote.
Comment: The variant satisfies PM2 criteria; Extremely low frequency in gnomAD population databases. However, the variant satisfies BS2 criteria.

Literature cited by the submitters: PubMed 9571255.